The following is an entry in ClinVar:

NM_005996.4(TBX3):c.390-9G>A

Gene: TBX3 (T-box transcription factor 3; minus strand). Cytogenetic location: 12q24.21.
Variant type: single nucleotide variant.
Coding change: c.390-9G>A on transcript NM_005996.4 (MANE Select); 9 bases into the intron before coding-DNA position 390, G replaced by A.
Molecular consequence: intron variant.
Genome position (GRCh38, 1-based): chr12:114,681,155, C>T on the plus strand (G>A on the coding strand, the complement: TBX3 is on the minus strand). VCF-style: chr12-114681155-C-T. GRCh37 (hg19) VCF-style: chr12-115118960-C-T.
Other names: c.390-9G>A (NM_016569.3, NM_016569.4).
Identifiers: ClinVar variation 307375 (VCV000307375.13), dbSNP rs753151479, ClinGen allele CA6810196.

ClinVar aggregate classification (germline): Conflicting classifications of pathogenicity. Review status: criteria provided, conflicting classifications (1 of 4 stars). 3 submissions from 3 submitters: Uncertain significance (1); Likely benign (1). 1 of the submissions does not count toward it. Last evaluated 2022-07-26.

Conditions:
TBX3-related disorder. Also called: TBX3-related condition.
Ulnar-mammary syndrome (UMS). Also called: SCHINZEL SYNDROME; Ulnar-mammary syndrome of Pallister; PALLISTER ULNAR-MAMMARY SYNDROME. Identifiers: Orphanet 3138, MedGen C1866994, MONDO:0008411, OMIM 181450.

Allele frequency attached by ClinVar (database versions not stated): ExAC 0.00001; gnomAD exomes 0.00001; gnomAD 0.00003 and 0.00004; TOPMed 0.00005.
gnomAD v4.1: 24 of 1,613,622 alleles (0.0015%); highest among the groups gnomAD compares: African/African-American, 0.0094%; no homozygotes.

Submissions (3):

Labcorp Genetics (formerly Invitae), Labcorp
Classification: Likely benign for Ulnar-mammary syndrome. Last evaluated: 2022-07-26. Review status: criteria provided, single submitter. Criteria: Invitae Variant Classification Sherloc (09022015). Collection method: clinical testing. Allele origin: germline.

Illumina Laboratory Services, Illumina
Classification: Uncertain significance for Ulnar-mammary syndrome. Last evaluated: 2018-01-12. Review status: criteria provided, single submitter. Criteria: ICSL Variant Classification Criteria 13 December 2019. Collection method: clinical testing. Allele origin: germline.

PreventionGenetics, part of Exact Sciences
Classification: Likely benign for TBX3-related condition. Last evaluated: 2024-04-24. Review status: no assertion criteria provided. Collection method: clinical testing. Allele origin: germline. Not counted in ClinVar's aggregate classification.
Comment: This variant is classified as likely benign based on ACMG/AMP sequence variant interpretation guidelines (Richards et al. 2015 PMID: 25741868, with internal and published modifications).